The following is an entry in ClinVar:

NM_003331.5(TYK2):c.2653C>A (p.Pro885Thr)

Gene: TYK2 (tyrosine kinase 2; minus strand). Cytogenetic location: 19p13.2.
Variant type: single nucleotide variant.
Coding change: c.2653C>A on transcript NM_003331.5 (MANE Select); coding-DNA position 2653, C replaced by A.
Protein change: p.Pro885Thr; replaces proline 885 with threonine.
Molecular consequence: missense variant.
Genome position (GRCh38, 1-based): chr19:10,354,574, G>T on the plus strand (C>A on the coding strand, the complement: TYK2 is on the minus strand). VCF-style: chr19-10354574-G-T. GRCh37 (hg19) VCF-style: chr19-10465250-G-T.
Other names: c.2653C>A (LRG_121t1); short protein forms P885T.
Identifiers: ClinVar variation 656255 (VCV000656255.8), dbSNP rs377212879, ClinGen allele CA9192972.

ClinVar aggregate classification (germline): Uncertain significance. Review status: criteria provided, multiple submitters, no conflicts (2 of 4 stars). 2 submissions from 2 submitters: Uncertain significance (2). Last evaluated 2025-01-27.

Conditions:
Immunodeficiency 35 (IMD35). Also called: TYK2 DEFICIENCY; HIES WITH ATYPICAL MYCOBACTERIOSIS, AUTOSOMAL RECESSIVE; HYPER-IgE SYNDROME WITH ATYPICAL MYCOBACTERIOSIS, AUTOSOMAL RECESSIVE; Susceptibility to infection due to TYK2 deficiency. Identifiers: Orphanet 331226, MedGen C1969086, MONDO:0012682, OMIM 611521.
Inborn genetic diseases. Identifiers: MedGen C0950123, MeSH D030342.

Allele frequency attached by ClinVar (database versions not stated): TOPMed 0.00003; ExAC 0.00013; gnomAD 0.00002; ESP Exome Variant Server 0.00015; gnomAD exomes 0.00006 and 0.00010.
gnomAD v4.1: 93 of 1,613,958 alleles (0.0058%); highest among the groups gnomAD compares: Non-Finnish European, 0.0075%; no homozygotes.

Submissions (2):

Ambry Genetics
Classification: Uncertain significance for Inborn genetic diseases. Last evaluated: 2025-01-27. Review status: criteria provided, single submitter. Criteria: Ambry Variant Classification Scheme 2023. Collection method: clinical testing. Allele origin: germline.

Labcorp Genetics (formerly Invitae), Labcorp
Classification: Uncertain significance for Immunodeficiency 35. Last evaluated: 2024-10-16. Review status: criteria provided, single submitter. Criteria: Invitae Variant Classification Sherloc (09022015). Collection method: clinical testing. Allele origin: germline.
Comment: This sequence change replaces proline, which is neutral and non-polar, with threonine, which is neutral and polar, at codon 885 of the TYK2 protein (p.Pro885Thr). This variant is present in population databases (rs377212879, gnomAD 0.02%). This variant has not been reported in the literature in individuals affected with TYK2-related conditions. ClinVar contains an entry for this variant (Variation ID: 656255). An algorithm developed to predict the effect of missense changes on protein structure and function outputs the following: PolyPhen-2: "Benign". The threonine amino acid residue is found in multiple mammalian species, which suggests that this missense change does not adversely affect protein function. In summary, the available evidence is currently insufficient to determine the role of this variant in disease. Therefore, it has been classified as a Variant of Uncertain Significance.